The following is an entry in ClinVar:

ClinVar aggregate classification (germline): Uncertain significance. Review status: criteria provided, multiple submitters, no conflicts (2 of 4 stars). 2 submissions from 2 submitters: Uncertain significance (2). Last evaluated 2025-09-08.

Conditions:
Inborn genetic diseases. Identifiers: MedGen C0950123, MeSH D030342.

Allele frequency attached by ClinVar (database versions not stated): TOPMed 0.00001; gnomAD 0.00001.
gnomAD v4.1: 13 of 1,610,394 alleles (0.00081%); highest among the groups gnomAD compares: Non-Finnish European, 0.001%; no homozygotes.

Submissions (2):

Labcorp Genetics (formerly Invitae), Labcorp
Classification: Uncertain significance. Last evaluated: 2025-09-08. Review status: criteria provided, single submitter. Criteria: Invitae Variant Classification Sherloc (09022015). Collection method: clinical testing. Allele origin: germline.
Comment: This sequence change replaces methionine, which is neutral and non-polar, with valine, which is neutral and non-polar, at codon 264 of the GANAB protein (p.Met264Val). This variant is present in population databases (rs757059506, gnomAD 0.0009%). This variant has not been reported in the literature in individuals affected with GANAB-related conditions. ClinVar contains an entry for this variant (Variation ID: 2960434). Invitae Evidence Modeling of protein sequence and biophysical properties (such as structural, functional, and spatial information, amino acid conservation, physicochemical variation, residue mobility, and thermodynamic stability) indicates that this missense variant is not expected to disrupt GANAB protein function with a negative predictive value of 80%. In summary, the available evidence is currently insufficient to determine the role of this variant in disease. Therefore, it has been classified as a Variant of Uncertain Significance.

Ambry Genetics
Classification: Uncertain significance for Inborn genetic diseases. Last evaluated: 2024-01-23. Review status: criteria provided, single submitter. Criteria: Ambry Variant Classification Scheme 2023. Collection method: clinical testing. Allele origin: germline.

NM_198334.3(GANAB):c.724A>G (p.Met242Val)

Gene: GANAB (glucosidase II alpha subunit; minus strand). Cytogenetic location: 11q12.3.
Variant type: single nucleotide variant.
Coding change: c.724A>G on transcript NM_198334.3 (MANE Select); coding-DNA position 724, A replaced by G.
Protein change: p.Met242Val; replaces methionine 242 with valine.
Molecular consequence: missense variant. On other transcripts: initiator codon variant (2).
Genome position (GRCh38, 1-based): chr11:62,633,096, T>C on the plus strand (A>G on the coding strand, the complement: GANAB is on the minus strand). VCF-style: chr11-62633096-T-C. GRCh37 (hg19) VCF-style: chr11-62400568-T-C.
Other names: c.448A>G, p.Met150Val (NM_001278192.2); c.382A>G, p.Met128Val (NM_001278193.2); c.433A>G, p.Met145Val (NM_001278194.2, NM_001329222.2, NM_001329223.2); c.1A>G, p.Met1Val (NM_001329224.2, NM_001329225.2); c.790A>G, p.Met264Val (NM_198335.4); c.790A>G (NM_198335.2); short protein forms M128V, M1V, M264V, M150V, M145V, M242V.
Identifiers: ClinVar variation 2960434 (VCV002960434.4), dbSNP rs757059506, ClinGen allele CA6050954.
Genomic context (GRCh38, chr11:62,633,096, plus strand): 5'-GCTCAGGGATCCCATAGACATGCTCCATGCCTGGCAGAGAGAAGTCCAAACCCACAGACA[T>C]GGGGCCTGGAAGAAAAACAAACAAGCTTCAGAGCTTCTGCTTGGAAAGGAGCCCTGCACC-3'
Protein context (NP_938148.1, residues 232-252): THSDSKPYGP[Met242Val]SVGLDFSLPG